The following is an entry in ClinVar:

NM_024422.6(DSC2):c.861_862delinsCT (p.Gln287_Val288delinsHisLeu)

Gene: DSC2 (desmocollin 2; minus strand). Cytogenetic location: 18q12.1.
Variant type: Indel.
Coding change: c.861_862delinsCT on transcript NM_024422.6 (MANE Select); coding-DNA positions 861 to 862, GG replaced by CT.
Protein change: p.Gln287_Val288delinsHisLeu.
Molecular consequence: missense variant.
Genome position (GRCh38, 1-based): chr18:31,086,656-31,086,657, CC replaced by AG on the plus strand (GG replaced by CT on the coding strand, the reverse complement: DSC2 is on the minus strand). VCF-style: chr18-31086656-CC-AG. GRCh37 (hg19) VCF-style: chr18-28666619-CC-AG.
Other names: c.861_862delinsCT, p.Gln287_Val288delinsHisLeu (NM_004949.5).
Identifiers: ClinVar variation 519508 (VCV000519508.5), dbSNP rs1555639508, ClinGen allele CA658799015.

ClinVar aggregate classification (germline): Uncertain significance (1 of 4 stars; one submission).

Conditions:
Cardiovascular phenotype. Identifiers: MedGen CN230736.

Submission:

Ambry Genetics
Classification: Uncertain significance for Cardiovascular phenotype. Last evaluated: 2017-09-18. Review status: criteria provided, single submitter. Criteria: Ambry Variant Classification Scheme 2023. Collection method: clinical testing. Allele origin: germline.
Comment: The c.861_862delGGinsCT variant (also known as p.Q287_V288delinsHL), located in coding exon 7 of the DSC2 gene, results from an in-frame deletion of GG and insertion of CT at nucleotide positions 861 to 862. This results in the substitution of glutamine and valine residues for a histidine and leucine residue at codon 287 and 288. These amino acid positions are not well conserved in available vertebrate species. Since supporting evidence is limited at this time, the clinical significance of this alteration remains unclear.